The following is an entry in ClinVar:

ClinVar aggregate classification (germline): Likely benign. Review status: criteria provided, multiple submitters, no conflicts (2 of 4 stars). 3 submissions from 3 submitters: Likely benign (3). Last evaluated 2026-05-08.

Conditions:
CNNM4-related disorder. Also called: CNNM4-related condition.

Allele frequency attached by ClinVar (database versions not stated): gnomAD exomes 0.00014 and 0.00033; ExAC 0.00016; gnomAD 0.00018 and 0.00021; 1000 Genomes Project 0.00020; ESP Exome Variant Server 0.00023; TOPMed 0.00028; 1000 Genomes Project 30x 0.00031.
gnomAD v4.1: 514 of 1,614,112 alleles (0.032%); highest among the groups gnomAD compares: Non-Finnish European, 0.041%; no homozygotes.

Submissions (3):

PreventionGenetics, part of Exact Sciences
Classification: Likely benign for CNNM4-related condition. Last evaluated: 2026-05-08. Review status: criteria provided, single submitter. Criteria: ACMG Guidelines, 2015. Collection method: clinical testing. Allele origin: germline.
Comment: This variant is classified as likely benign based on ACMG/AMP sequence variant interpretation guidelines (Richards et al. 2015 PMID: 25741868, with internal and published modifications).

Labcorp Genetics (formerly Invitae), Labcorp
Classification: Likely benign. Last evaluated: 2025-12-01. Review status: criteria provided, single submitter. Criteria: Invitae Variant Classification Sherloc (09022015). Collection method: clinical testing. Allele origin: germline.

Blueprint Genetics
Classification: Likely benign. Last evaluated: 2024-07-18. Review status: criteria provided, single submitter. Criteria: ACMG Guidelines, 2015. Collection method: clinical testing. Allele origin: germline.

NM_020184.4(CNNM4):c.1059C>T (p.Asp353=)

Gene: CNNM4 (cyclin and CBS domain divalent metal cation transport mediator 4; plus strand). Cytogenetic location: 2q11.2.
Variant type: single nucleotide variant.
Coding change: c.1059C>T on transcript NM_020184.4 (MANE Select); coding-DNA position 1059, C replaced by T.
Protein change: p.Asp353=; no amino-acid change (aspartic acid 353 retained).
Molecular consequence: synonymous variant.
Genome position (GRCh38, 1-based): chr2:96,762,058, C>T. VCF-style: chr2-96762058-C-T. GRCh37 (hg19) VCF-style: chr2-97427795-C-T.
Other names: c.1059C>T (NM_020184.3).
Identifiers: ClinVar variation 1154310 (VCV001154310.11), dbSNP rs187371920, ClinGen allele CA1783285.
Genomic context (GRCh38, chr2:96,762,058, plus strand): 5'-CACTGTTTACAACCGGGAGAAGCTGATGGAGATGTTGAAGGTGACGGAGCCCTATAATGA[C>T]CTCGTGAAAGAGGAGCTCAATATGATCCAGGGTGCCCTGGAACTACGGACCAAAACTGTA-3'
Protein context (NP_064569.3, residues 343-363): EMLKVTEPYN[Asp353=]LVKEELNMIQ